The following is an entry in ClinVar:

ClinVar aggregate classification (germline): Likely pathogenic (1 of 4 stars; one submission).

Allele frequency attached by ClinVar (database versions not stated): gnomAD exomes below 0.00001; gnomAD 0.00001; TOPMed 0.00001.
gnomAD v4.1: 3 of 1,613,766 alleles (0.00019%); highest among the groups gnomAD compares: African/African-American, 0.0027%; no homozygotes.

Submission:

Labcorp Genetics (formerly Invitae), Labcorp
Classification: Likely pathogenic. Last evaluated: 2021-11-18. Review status: criteria provided, single submitter. Criteria: Invitae Variant Classification Sherloc (09022015). Collection method: clinical testing. Allele origin: germline.
Comment: In summary, the currently available evidence indicates that the variant is pathogenic, but additional data are needed to prove that conclusively. Therefore, this variant has been classified as Likely Pathogenic. Algorithms developed to predict the effect of sequence changes on RNA splicing suggest that this variant may disrupt the consensus splice site. This variant has not been reported in the literature in individuals affected with XPC-related conditions. This variant is present in population databases (no rsID available, gnomAD 0.007%). This sequence change affects an acceptor splice site in intron 8 of the XPC gene. It is expected to disrupt RNA splicing. Variants that disrupt the donor or acceptor splice site typically lead to a loss of protein function (PMID: 16199547), and loss-of-function variants in XPC are known to be pathogenic (PMID: 23173980, 25256075).

Literature cited by the submitters: PubMed 16199547; PubMed 23173980; PubMed 25256075.

NM_004628.5(XPC):c.991-1G>A

Gene: XPC (XPC complex subunit, DNA damage recognition and repair factor; minus strand). Cytogenetic location: 3p25.1.
Variant type: single nucleotide variant.
Coding change: c.991-1G>A on transcript NM_004628.5 (MANE Select); the canonical splice acceptor site of the intron before coding-DNA position 991, G replaced by A.
Molecular consequence: splice acceptor variant.
Genome position (GRCh38, 1-based): chr3:14,158,893, C>T on the plus strand (G>A on the coding strand, the complement: XPC is on the minus strand). VCF-style: chr3-14158893-C-T. GRCh37 (hg19) VCF-style: chr3-14200393-C-T.
Other names: c.973-1G>A (NM_001354729.2); c.412-1G>A (NM_001354726.2); c.991-1G>A (NM_001354730.2, NM_001354727.2).
Identifiers: ClinVar variation 1522350 (VCV001522350.6), dbSNP rs1000669774, ClinGen allele CA69753832.